The following is an entry in ClinVar:

ClinVar aggregate classification (germline): Uncertain significance. Review status: criteria provided, multiple submitters, no conflicts (2 of 4 stars). 2 submissions from 2 submitters: Uncertain significance (2). Last evaluated 2022-08-23.

gnomAD v4.1: 17 of 1,614,110 alleles (0.0011%); highest among the groups gnomAD compares: Admixed American, 0.0033%; no homozygotes.

Submissions (2):

Labcorp Genetics (formerly Invitae), Labcorp
Classification: Uncertain significance. Last evaluated: 2022-08-23. Review status: criteria provided, single submitter. Criteria: Invitae Variant Classification Sherloc (09022015). Collection method: clinical testing. Allele origin: germline.
Comment: This sequence change replaces glutamic acid, which is acidic and polar, with lysine, which is basic and polar, at codon 823 of the MERTK protein (p.Glu823Lys). This variant is present in population databases (rs55924349, gnomAD 0.01%). This variant has not been reported in the literature in individuals affected with MERTK-related conditions. ClinVar contains an entry for this variant (Variation ID: 1436842). Algorithms developed to predict the effect of missense changes on protein structure and function are either unavailable or do not agree on the potential impact of this missense change (SIFT: "Deleterious"; PolyPhen-2: "Possibly Damaging"; Align-GVGD: "Class C15"). In summary, the available evidence is currently insufficient to determine the role of this variant in disease. Therefore, it has been classified as a Variant of Uncertain Significance.

Blueprint Genetics
Classification: Uncertain significance. Last evaluated: 2021-06-03. Review status: criteria provided, single submitter. Criteria: ACMG Guidelines, 2015. Collection method: clinical testing. Allele origin: germline.

NM_006343.3(MERTK):c.2467G>A (p.Glu823Lys)

Gene: MERTK (MER proto-oncogene, tyrosine kinase; plus strand). Cytogenetic location: 2q13.
Variant type: single nucleotide variant.
Coding change: c.2467G>A on transcript NM_006343.3 (MANE Select); coding-DNA position 2467, G replaced by A.
Protein change: p.Glu823Lys; replaces glutamic acid 823 with lysine.
Molecular consequence: missense variant.
Genome position (GRCh38, 1-based): chr2:112,022,375, G>A. VCF-style: chr2-112022375-G-A. GRCh37 (hg19) VCF-style: chr2-112779952-G-A.
Other names: short protein forms E823K.
Identifiers: ClinVar variation 1436842 (VCV001436842.4), dbSNP rs55924349, ClinGen allele CA1831836.